The following is an entry in ClinVar:

ClinVar aggregate classification (germline): Uncertain significance (1 of 4 stars; one submission).

Allele frequency attached by ClinVar (database versions not stated): gnomAD exomes below 0.00001.
gnomAD v4.1: 1 of 1,490,668 alleles (0.000067%); highest among the groups gnomAD compares: Non-Finnish European, 0.000093%; no homozygotes.

Submission:

Labcorp Genetics (formerly Invitae), Labcorp
Classification: Uncertain significance. Last evaluated: 2023-12-27. Review status: criteria provided, single submitter. Criteria: Invitae Variant Classification Sherloc (09022015). Collection method: clinical testing. Allele origin: germline.
Comment: This sequence change replaces proline, which is neutral and non-polar, with serine, which is neutral and polar, at codon 142 of the GINS1 protein (p.Pro142Ser). This variant is not present in population databases (gnomAD no frequency). This variant has not been reported in the literature in individuals affected with GINS1-related conditions. An algorithm developed to predict the effect of missense changes on protein structure and function (PolyPhen-2) suggests that this variant is likely to be disruptive. In summary, the available evidence is currently insufficient to determine the role of this variant in disease. Therefore, it has been classified as a Variant of Uncertain Significance.

NM_021067.5(GINS1):c.424C>T (p.Pro142Ser)

Gene: GINS1 (GINS complex subunit 1; plus strand). Cytogenetic location: 20p11.21.
Variant type: single nucleotide variant.
Coding change: c.424C>T on transcript NM_021067.5 (MANE Select); coding-DNA position 424, C replaced by T.
Protein change: p.Pro142Ser; replaces proline 142 with serine.
Molecular consequence: missense variant. On other transcripts: non-coding transcript variant (1), intron variant (1).
Genome position (GRCh38, 1-based): chr20:25,425,304, C>T. VCF-style: chr20-25425304-C-T. GRCh37 (hg19) VCF-style: chr20-25405940-C-T.
Other names: c.169C>T, p.Pro57Ser (NM_001410831.1); c.330+7109C>T (NM_001410830.1); short protein forms P57S, P142S.
Identifiers: ClinVar variation 2705846 (VCV002705846.3), dbSNP rs2090384715, ClinGen allele CA408449058.